The following is an entry in ClinVar:

ClinVar aggregate classification (germline): Uncertain significance (1 of 4 stars; one submission).

Conditions:
Progressive familial heart block type IB (PFHB1B). Identifiers: Orphanet 871, MedGen C1970298, MONDO:0011474, OMIM 604559.

Allele frequency attached by ClinVar (database versions not stated): TOPMed below 0.00001; ExAC 0.00001; gnomAD 0.00001.
gnomAD v4.1: 1 of 1,612,568 alleles (0.000062%); highest among the groups gnomAD compares: Non-Finnish European, 0.000085%; no homozygotes.

Submission:

Labcorp Genetics (formerly Invitae), Labcorp
Classification: Uncertain significance for Progressive familial heart block type IB. Last evaluated: 2023-02-16. Review status: criteria provided, single submitter. Criteria: Invitae Variant Classification Sherloc (09022015). Collection method: clinical testing. Allele origin: germline.
Comment: In summary, the available evidence is currently insufficient to determine the role of this variant in disease. Therefore, it has been classified as a Variant of Uncertain Significance. An algorithm developed to predict the effect of missense changes on protein structure and function (PolyPhen-2) suggests that this variant is likely to be disruptive. This variant has not been reported in the literature in individuals affected with TRPM4-related conditions. This variant is not present in population databases (gnomAD no frequency). This sequence change replaces serine, which is neutral and polar, with phenylalanine, which is neutral and non-polar, at codon 422 of the TRPM4 protein (p.Ser422Phe).

NM_017636.4(TRPM4):c.1265C>T (p.Ser422Phe)

Gene: TRPM4 (transient receptor potential cation channel subfamily M member 4; plus strand). Cytogenetic location: 19q13.33.
Variant type: single nucleotide variant.
Coding change: c.1265C>T on transcript NM_017636.4 (MANE Select); coding-DNA position 1265, C replaced by T.
Protein change: p.Ser422Phe; replaces serine 422 with phenylalanine.
Molecular consequence: missense variant. On other transcripts: 5 prime UTR variant (1).
Genome position (GRCh38, 1-based): chr19:49,182,579, C>T. VCF-style: chr19-49182579-C-T. GRCh37 (hg19) VCF-style: chr19-49685836-C-T.
Other names: c.1265C>T, p.Ser422Phe (NM_001195227.2); c.920C>T, p.Ser307Phe (NM_001321281.2); c.-289C>T (NM_001321282.2); c.743C>T, p.Ser248Phe (NM_001321283.2); c.203C>T, p.Ser68Phe (NM_001321285.2); short protein forms S248F, S68F, S307F, S422F.
Identifiers: ClinVar variation 2837786 (VCV002837786.3), dbSNP rs774660028, ClinGen allele CA9569155.